The following is an entry in ClinVar:

ClinVar aggregate classification (germline): Likely pathogenic (1 of 4 stars; one submission).

Conditions:
Alzahrani-Kuwahara syndrome. Also called: NEURODEVELOPMENTAL DISORDER WITH DYSMORPHIC FACIES AND CATARACTS. Identifiers: MedGen C5543274, MONDO:0859136, OMIM 619268.

Submission:

Juno Genomics, Hangzhou Juno Genomics, Inc
Classification: Likely pathogenic for Alzahrani-Kuwahara syndrome. Review status: criteria provided, single submitter. Criteria: ACMG Guidelines, 2015. Collection method: clinical testing. Allele origin: germline.
Comment: Absent from controls (or at extremely low frequency if recessive) in Genome Aggregation Database.;Null variant in a gene where loss of function (LOF) is a known mechanism of disease.

NM_018149.7(SMG8):c.615dup (p.Val206fs)

Gene: SMG8 (SMG8 nonsense mediated mRNA decay factor; plus strand). Cytogenetic location: 17q22.
Variant type: Duplication.
Coding change: c.615dup on transcript NM_018149.7 (MANE Select); coding-DNA position 615, one base duplicated (T; older notation c.615dupT).
Protein change: p.Val206fs; shifts the reading frame from valine 206.
Molecular consequence: frameshift variant.
Genome position (GRCh38, 1-based): chr17:59,210,666, T duplicated. VCF-style (leftmost placement, unchanged base first): chr17-59210665-C-CT. GRCh37 (hg19) VCF-style: chr17-57288026-C-CT.
Other names: short protein forms V206fs.
Identifiers: ClinVar variation 3382841 (VCV003382841.3).
Genomic context (GRCh38, chr17:59,210,665, plus strand): 5'-CACACGAGTTCTGGAAGCATCAAGAGAAGCTGCAGTGCCTCAGTCTCCTTTACCTATTCT[C>CT]TGTCTGTCATATCTTGCTTCTGGTCCATCCCACTTGTTCCTTTGATATCACTTATGATCG-3'